The following is an entry in ClinVar:

ClinVar aggregate classification (germline): Likely benign. Review status: criteria provided, multiple submitters, no conflicts (2 of 4 stars). 2 submissions from 2 submitters: Likely benign (2). Last evaluated 2025-06-05.

Conditions:
Tuberous sclerosis 2 (TSC2). Identifiers: Orphanet 805, MedGen C1860707, MONDO:0013199, OMIM 613254.

gnomAD v4.1: 1 of 1,612,134 alleles (0.000062%); highest among the groups gnomAD compares: Non-Finnish European, 0.000085%; no homozygotes.

Submissions (2):

Myriad Genetics, Inc.
Classification: Likely benign for Tuberous sclerosis 2. Last evaluated: 2025-06-05. Review status: criteria provided, single submitter. Criteria: Myriad Autosomal Dominant, Autosomal Recessive and X-Linked Classification Criteria (2023). Collection method: clinical testing. Allele origin: unknown.
Comment: This variant is considered likely benign. This variant is intronic and is not expected to impact mRNA splicing.

Labcorp Genetics (formerly Invitae), Labcorp
Classification: Likely benign for Tuberous sclerosis 2. Last evaluated: 2025-04-25. Review status: criteria provided, single submitter. Criteria: Invitae Variant Classification Sherloc (09022015). Collection method: clinical testing. Allele origin: germline.

NM_000548.5(TSC2):c.4990-19C>T

Gene: TSC2 (TSC complex subunit 2; plus strand). Cytogenetic location: 16p13.3.
Variant type: single nucleotide variant.
Coding change: c.4990-19C>T on transcript NM_000548.5 (MANE Select); 19 bases into the intron before coding-DNA position 4990, C replaced by T.
Molecular consequence: intron variant.
Genome position (GRCh38, 1-based): chr16:2,087,844, C>T. VCF-style: chr16-2087844-C-T. GRCh37 (hg19) VCF-style: chr16-2137845-C-T.
Other names: c.4921-19C>T (NM_001114382.3); c.4861-19C>T (NM_021055.3, NM_001370405.1); c.4792-19C>T (NM_001363528.2); c.4858-19C>T (NM_001370404.1); c.4789-19C>T (NM_001077183.3); c.4681-19C>T (NM_001318827.2); c.4258-19C>T (NM_001318831.2); c.4645-19C>T (NM_001318829.2); and 1 more.
Identifiers: ClinVar variation 1947682 (VCV001947682.6), dbSNP rs1244495150, ClinGen allele CA2580091107.